The following is an entry in ClinVar:

NM_004525.3(LRP2):c.2834G>T (p.Gly945Val)

Gene: LRP2 (LDL receptor related protein 2; minus strand). Cytogenetic location: 2q31.1.
Variant type: single nucleotide variant.
Coding change: c.2834G>T on transcript NM_004525.3 (MANE Select); coding-DNA position 2834, G replaced by T.
Protein change: p.Gly945Val; replaces glycine 945 with valine.
Molecular consequence: missense variant.
Genome position (GRCh38, 1-based): chr2:169,247,452, C>A on the plus strand (G>T on the coding strand, the complement: LRP2 is on the minus strand). VCF-style: chr2-169247452-C-A. GRCh37 (hg19) VCF-style: chr2-170103962-C-A.
Other names: short protein forms G945V.
Identifiers: ClinVar variation 1392746 (VCV001392746.7), dbSNP rs369537386, ClinGen allele CA1955201.

ClinVar aggregate classification (germline): Uncertain significance. Review status: criteria provided, multiple submitters, no conflicts (2 of 4 stars). 2 submissions from 2 submitters: Uncertain significance (2). Last evaluated 2025-03-17.

Conditions:
Donnai-Barrow syndrome. Also called: DBS/FOAR SYNDROME; FACIOOCULOACOUSTICORENAL SYNDROME. Identifiers: Orphanet 2143, MedGen C1857277, MONDO:0009104, OMIM 222448.

Allele frequency attached by ClinVar (database versions not stated): ExAC 0.00001; gnomAD exomes 0.00001; TOPMed 0.00002; gnomAD 0.00003 and 0.00004; ESP Exome Variant Server 0.00008.
gnomAD v4.1: 29 of 1,614,030 alleles (0.0018%); highest among the groups gnomAD compares: African/African-American, 0.004%; no homozygotes.

Submissions (2):

Labcorp Genetics (formerly Invitae), Labcorp
Classification: Uncertain significance. Last evaluated: 2025-03-17. Review status: criteria provided, single submitter. Criteria: Invitae Variant Classification Sherloc (09022015). Collection method: clinical testing. Allele origin: germline.
Comment: This sequence change replaces glycine, which is neutral and non-polar, with valine, which is neutral and non-polar, at codon 945 of the LRP2 protein (p.Gly945Val). This variant is present in population databases (rs369537386, gnomAD 0.01%). This variant has not been reported in the literature in individuals affected with LRP2-related conditions. ClinVar contains an entry for this variant (Variation ID: 1392746). Invitae Evidence Modeling of protein sequence and biophysical properties (such as structural, functional, and spatial information, amino acid conservation, physicochemical variation, residue mobility, and thermodynamic stability) indicates that this missense variant is not expected to disrupt LRP2 protein function with a negative predictive value of 80%. In summary, the available evidence is currently insufficient to determine the role of this variant in disease. Therefore, it has been classified as a Variant of Uncertain Significance.

Fulgent Genetics
Classification: Uncertain significance for Donnai-Barrow syndrome. Last evaluated: 2024-06-18. Review status: criteria provided, single submitter. Criteria: ACMG Guidelines, 2015. Collection method: clinical testing. Allele origin: germline.